The following is an entry in ClinVar:

ClinVar aggregate classification (germline): Likely benign (1 of 4 stars; one submission).

gnomAD v4.1: 13 of 1,232,348 alleles (0.0011%); highest among the groups gnomAD compares: Non-Finnish European, 0.0013%; no homozygotes.

Submission:

CeGaT Center for Human Genetics Tuebingen
Classification: Likely benign. Last evaluated: 2025-07-01. Review status: criteria provided, single submitter. Criteria: CeGaT Center For Human Genetics Tuebingen Variant Classification Criteria Version 2. Collection method: clinical testing. Allele origin: germline. Affected: yes. Observed: 1 variant allele.
Comment: GIPC3: BP4, BP7

NM_133261.3(GIPC3):c.*2867C>T

Gene: GIPC3 (GIPC PDZ domain containing family member 3; plus strand). Cytogenetic location: 19p13.3.
Variant type: single nucleotide variant.
Coding change: c.*2867C>T on transcript NM_133261.3 (MANE Select); 2867 bases downstream of the stop codon, C replaced by T.
Molecular consequence: 3 prime UTR variant. On other transcripts: synonymous variant (1).
Genome position (GRCh38, 1-based): chr19:3,593,057, C>T. VCF-style: chr19-3593057-C-T. GRCh37 (hg19) VCF-style: chr19-3593055-C-T.
Other names: c.3819C>T, p.Ser1273= (NM_001411144.1).
Identifiers: ClinVar variation 4084531 (VCV004084531.8).
Genomic context (GRCh38, chr19:3,593,057, plus strand): 5'-TGATCAGGTATGTGGCATCCAGGCCAGCCTTGGCCCCATCCCAGGCTTACCCCAAGCCTC[C>T]TACCTGGCCCCACAGTCACAGGTCTCCTCAACCCCCCAGAAGCCAGCCGTCTCTCCCAAG-3'